The following is an entry in ClinVar:

NM_000152.5(GAA):c.1636G>C (p.Gly546Arg)

Gene: GAA (alpha glucosidase; plus strand). Cytogenetic location: 17q25.3.
Variant type: single nucleotide variant.
Coding change: c.1636G>C on transcript NM_000152.5 (MANE Select); coding-DNA position 1636, G replaced by C.
Protein change: p.Gly546Arg; replaces glycine 546 with arginine.
Molecular consequence: missense variant.
Genome position (GRCh38, 1-based): chr17:80,111,025, G>C. VCF-style: chr17-80111025-G-C. GRCh37 (hg19) VCF-style: chr17-78084824-G-C.
Other names: c.1636G>C, p.Gly546Arg (NM_001079803.3, NM_001079804.3, NM_001406741.1 and 1 more transcripts); short protein forms G546R.
Identifiers: ClinVar variation 4876516 (VCV004876516.1).

ClinVar aggregate classification (germline): Likely pathogenic (1 of 4 stars; one submission).

Conditions:
Glycogen storage disease, type II (IOPD). Also called: Pompe Disease; CARDIOMEGALIA GLYCOGENICA DIFFUSA; GLYCOGENOSIS, GENERALIZED, CARDIAC FORM; GSD II; POMPE DISEASE, INFANTILE-ONSET; GLYCOGEN STORAGE DISEASE II, INFANTILE-ONSET. Identifiers: Orphanet 365, MedGen C0017921, MONDO:0009290, OMIM 232300.

Submission:

Genomenon, Inc
Classification: Likely pathogenic for Glycogen storage disease, type II. Last evaluated: 2026-07-01. Review status: criteria provided, single submitter. Criteria: Genomenon Sequence Variant Interpretation Standards - Updated. Collection method: curation. Allele origin: germline. Affected: yes.
Comment: GAA p.Gly546Arg (c.1636G>C) is a missense variant that changes the amino acid at codon 546 from Glycine to Arginine. This variant has been observed in at least one proband with a GAA-related disorder in the compound heterozygous and/or homozygous state (PMID:22863876). The presence of pathogenic/likely pathogenic missense variant(s) at the same amino acid position indicates that this residue is likely important for protein function. It is absent or not present at a significant frequency in gnomAD. In silico models predict that this variant is possibly or probably damaging. In conclusion, we classify GAA p.Gly546Arg (c.1636G>C) as a likely pathogenic variant.

Literature cited by the submitters: PubMed 22863876.